The following is an entry in ClinVar:

NM_004523.4(KIF11):c.1078T>A (p.Leu360Met)

Gene: KIF11 (kinesin family member 11; plus strand). Cytogenetic location: 10q23.33.
Variant type: single nucleotide variant.
Coding change: c.1078T>A on transcript NM_004523.4 (MANE Select); coding-DNA position 1078, T replaced by A.
Protein change: p.Leu360Met; replaces leucine 360 with methionine.
Molecular consequence: missense variant.
Genome position (GRCh38, 1-based): chr10:92,616,782, T>A. VCF-style: chr10-92616782-T-A. GRCh37 (hg19) VCF-style: chr10-94376539-T-A.
Other names: short protein forms L360M.
Identifiers: ClinVar variation 3684610 (VCV003684610.2).

ClinVar aggregate classification (germline): Uncertain significance (1 of 4 stars; one submission).

Submission:

Labcorp Genetics (formerly Invitae), Labcorp
Classification: Uncertain significance. Last evaluated: 2024-09-10. Review status: criteria provided, single submitter. Criteria: Invitae Variant Classification Sherloc (09022015). Collection method: clinical testing. Allele origin: germline.
Comment: This sequence change replaces leucine, which is neutral and non-polar, with methionine, which is neutral and non-polar, at codon 360 of the KIF11 protein (p.Leu360Met). This variant is not present in population databases (gnomAD no frequency). This variant has not been reported in the literature in individuals affected with KIF11-related conditions. Invitae Evidence Modeling of protein sequence and biophysical properties (such as structural, functional, and spatial information, amino acid conservation, physicochemical variation, residue mobility, and thermodynamic stability) indicates that this missense variant is not expected to disrupt KIF11 protein function with a negative predictive value of 80%. In summary, the available evidence is currently insufficient to determine the role of this variant in disease. Therefore, it has been classified as a Variant of Uncertain Significance.